The following is an entry in ClinVar:

NM_012309.5(SHANK2):c.3154A>G (p.Ser1052Gly)

Gene: SHANK2 (SH3 and multiple ankyrin repeat domains 2; minus strand). Cytogenetic location: 11q13.3.
Variant type: single nucleotide variant.
Coding change: c.3154A>G on transcript NM_012309.5 (MANE Select); coding-DNA position 3154, A replaced by G.
Protein change: p.Ser1052Gly; replaces serine 1052 with glycine.
Molecular consequence: missense variant.
Genome position (GRCh38, 1-based): chr11:70,487,139, T>C on the plus strand (A>G on the coding strand, the complement: SHANK2 is on the minus strand). VCF-style: chr11-70487139-T-C. GRCh37 (hg19) VCF-style: chr11-70333244-T-C.
Other names: c.2017A>G, p.Ser673Gly (NM_001379226.1); c.1390A>G, p.Ser464Gly (NM_133266.5); short protein forms S1052G, S464G, S673G.
Identifiers: ClinVar variation 2642081 (VCV002642081.24), dbSNP rs2495510086, ClinGen allele CA381687461.

ClinVar aggregate classification (germline): Uncertain significance (1 of 4 stars; one submission).

Submission:

CeGaT Center for Human Genetics Tuebingen
Classification: Uncertain significance. Last evaluated: 2023-03-01. Review status: criteria provided, single submitter. Criteria: CeGaT Center For Human Genetics Tuebingen Variant Classification Criteria Version 2. Collection method: clinical testing. Allele origin: germline. Affected: yes. Observed: 1 variant allele.
Comment: SHANK2: PM2, BP4